The following is an entry in ClinVar:

ClinVar aggregate classification (germline): Uncertain significance (1 of 4 stars; one submission).

Allele frequency attached by ClinVar (database versions not stated): gnomAD 0.00001; TOPMed 0.00001.
gnomAD v4.1: 6 of 1,613,068 alleles (0.00037%); highest among the groups gnomAD compares: African/African-American, 0.0013%; no homozygotes.

Submission:

Greenwood Genetic Center Diagnostic Laboratories, Greenwood Genetic Center
Classification: Uncertain significance. Last evaluated: 2020-12-12. Review status: criteria provided, single submitter. Criteria: ACMG Guidelines, 2015. Collection method: clinical testing. Allele origin: germline. Affected: yes.
Comment: PP3, PM2, PM3

NM_000182.5(HADHA):c.356T>C (p.Leu119Pro)

Gene: HADHA (hydroxyacyl-CoA dehydrogenase trifunctional multienzyme complex subunit alpha; minus strand). Cytogenetic location: 2p23.3.
Variant type: single nucleotide variant.
Coding change: c.356T>C on transcript NM_000182.5 (MANE Select); coding-DNA position 356, T replaced by C.
Protein change: p.Leu119Pro; replaces leucine 119 with proline.
Molecular consequence: missense variant.
Genome position (GRCh38, 1-based): chr2:26,234,314, A>G on the plus strand (T>C on the coding strand, the complement: HADHA is on the minus strand). VCF-style: chr2-26234314-A-G. GRCh37 (hg19) VCF-style: chr2-26457182-A-G.
Other names: short protein forms L119P.
Identifiers: ClinVar variation 1331542 (VCV001331542.4), dbSNP rs1215122127, ClinGen allele CA346093679.